The following is an entry in ClinVar:

NM_006121.4(KRT1):c.741T>C (p.Ser247=)

Gene: KRT1 (keratin 1; minus strand). Cytogenetic location: 12q13.13.
Variant type: single nucleotide variant.
Coding change: c.741T>C on transcript NM_006121.4 (MANE Select); coding-DNA position 741, T replaced by C.
Protein change: p.Ser247=; no amino-acid change (serine 247 retained).
Molecular consequence: synonymous variant.
Genome position (GRCh38, 1-based): chr12:52,678,607, A>G on the plus strand (T>C on the coding strand, the complement: KRT1 is on the minus strand). VCF-style: chr12-52678607-A-G. GRCh37 (hg19) VCF-style: chr12-53072391-A-G.
Identifiers: ClinVar variation 309650 (VCV000309650.15), dbSNP rs56895471, ClinGen allele CA6586381.

ClinVar aggregate classification (germline): Benign. Review status: criteria provided, multiple submitters, no conflicts (2 of 4 stars). 4 submissions from 3 submitters: Benign (4). Last evaluated 2025-12-30.

Conditions:
Diffuse nonepidermolytic palmoplantar keratoderma (NEPPK). Also called: Nonepidermolytic palmoplantar hyperkeratosis; Nonepidermolytic palmoplantar keratoderma. Identifiers: Orphanet 530838, MedGen C1833030, MONDO:0010962, OMIM 600962, HP:0007404.
Epidermolytic ichthyosis. Also called: Congenital bullous ichthyosiform erythroderma; Bullous ichthyosiform erythroderma; Epidermolytic Hyperkeratosis; KRT10-Related Epidermolytic Hyperkeratosis. Identifiers: Orphanet 312, MedGen C0079153, MONDO:0007239, HP:0007475.

Allele frequency attached by ClinVar (database versions not stated): gnomAD exomes 0.00265; ExAC 0.00333; gnomAD 0.00999 and 0.01086; TOPMed 0.01081; 1000 Genomes Project 0.01158; 1000 Genomes Project 30x 0.01202; ESP Exome Variant Server 0.01207.
gnomAD v4.1: 2,897 of 1,614,128 alleles (0.18%); highest among the groups gnomAD compares: African/African-American, 3.5%; 48 homozygotes.

Submissions (4):

Labcorp Genetics (formerly Invitae), Labcorp
Classification: Benign. Last evaluated: 2025-12-30. Review status: criteria provided, single submitter. Criteria: Invitae Variant Classification Sherloc (09022015). Collection method: clinical testing. Allele origin: germline.

Illumina Laboratory Services, Illumina
Classification: Benign for Diffuse nonepidermolytic palmoplantar keratoderma. Last evaluated: 2018-01-12. Review status: criteria provided, single submitter. Criteria: ICSL Variant Classification Criteria 13 December 2019. Collection method: clinical testing. Allele origin: germline.
Comment: This variant was observed in the ICSL laboratory as part of a predisposition screen in an ostensibly healthy population. It had not been previously curated by ICSL or reported in the Human Gene Mutation Database (HGMD: prior to June 1st, 2018), and was therefore a candidate for classification through an automated scoring system. Utilizing variant allele frequency, disease prevalence and penetrance estimates, and inheritance mode, an automated score was calculated to assess if this variant is too frequent to cause the disease. Based on the score and internal cut-off values, a variant classified as benign is not then subjected to further curation. The score for this variant resulted in a classification of benign for this disease.

Illumina Laboratory Services, Illumina
Classification: Benign for Epidermolytic hyperkeratosis 1. Last evaluated: 2018-01-12. Review status: criteria provided, single submitter. Criteria: ICSL Variant Classification Criteria 13 December 2019. Collection method: clinical testing. Allele origin: germline.
Comment: the same text as in the submission from Illumina Laboratory Services, Illumina above.

Breakthrough Genomics
Classification: Benign. Review status: criteria provided, single submitter. Criteria: ACMG Guidelines, 2015. Collection method: not provided. Allele origin: germline. Inheritance: Autosomal dominant inheritance. Affected: yes.